The following is an entry in ClinVar:

ClinVar aggregate classification (germline): Uncertain significance (1 of 4 stars; one submission).

Conditions:
Immunodeficiency 51 (IMD51). Also called: CANDIDIASIS, FAMILIAL, 5. Identifiers: Orphanet 1334, MedGen C4310803, MONDO:0013500, OMIM 613953.

Allele frequency attached by ClinVar (database versions not stated): gnomAD exomes 0.00001; ExAC 0.00002; TOPMed 0.00002.

Submission:

Labcorp Genetics (formerly Invitae), Labcorp
Classification: Uncertain significance for Immunodeficiency 51. Last evaluated: 2022-07-21. Review status: criteria provided, single submitter. Criteria: Invitae Variant Classification Sherloc (09022015). Collection method: clinical testing. Allele origin: germline.
Comment: This variant is present in population databases (rs758003165, gnomAD 0.006%). In summary, the available evidence is currently insufficient to determine the role of this variant in disease. Therefore, it has been classified as a Variant of Uncertain Significance. Algorithms developed to predict the effect of sequence changes on RNA splicing suggest that this variant may create or strengthen a splice site. Algorithms developed to predict the effect of missense changes on protein structure and function output the following: SIFT: "Tolerated"; PolyPhen-2: "Benign"; Align-GVGD: "Class C0". The glutamine amino acid residue is found in multiple mammalian species, which suggests that this missense change does not adversely affect protein function. ClinVar contains an entry for this variant (Variation ID: 1002671). This variant has not been reported in the literature in individuals affected with IL17RA-related conditions. This sequence change replaces arginine, which is basic and polar, with glutamine, which is neutral and polar, at codon 461 of the IL17RA protein (p.Arg461Gln).

NM_014339.7(IL17RA):c.1382G>A (p.Arg461Gln)

Gene: IL17RA (interleukin 17 receptor A; plus strand). Cytogenetic location: 22q11.1.
Variant type: single nucleotide variant.
Coding change: c.1382G>A on transcript NM_014339.7 (MANE Select); coding-DNA position 1382, G replaced by A.
Protein change: p.Arg461Gln; replaces arginine 461 with glutamine.
Molecular consequence: missense variant.
Genome position (GRCh38, 1-based): chr22:17,108,601, G>A. VCF-style: chr22-17108601-G-A. GRCh37 (hg19) VCF-style: chr22-17589491-G-A.
Other names: c.1280G>A, p.Arg427Gln (NM_001289905.2); short protein forms R427Q, R461Q.
Identifiers: ClinVar variation 1002671 (VCV001002671.8), dbSNP rs758003165, ClinGen allele CA10086733.